The following is an entry in ClinVar:

ClinVar aggregate classification (germline): Likely pathogenic (1 of 4 stars; one submission).

Conditions:
Usher syndrome, type 1M. Identifiers: MedGen C5231434, MONDO:0032841, OMIM 618632.
Autosomal recessive nonsyndromic hearing loss 36. Also called: Deafness, autosomal recessive 36; DEAFNESS, AUTOSOMAL RECESSIVE 36, WITH VESTIBULAR INVOLVEMENT. Identifiers: Orphanet 90636, MedGen C1837007, MONDO:0012170, OMIM 609006.

gnomAD v4.1: 2 of 1,610,926 alleles (0.00012%); highest among the groups gnomAD compares: East Asian, 0.0022%; no homozygotes.

Submission:

Juno Genomics, Hangzhou Juno Genomics, Inc
Classification: Likely pathogenic for Usher syndrome, type 1M; Autosomal recessive nonsyndromic hearing loss 36. Review status: criteria provided, single submitter. Criteria: ACMG Guidelines, 2015. Collection method: clinical testing. Allele origin: germline.
Comment: Null variant in a gene where loss of function (LOF) is a known mechanism of disease.;Absent from controls (or at extremely low frequency if recessive) in Genome Aggregation Database.

NM_031475.3(ESPN):c.1464+2T>A

Gene: ESPN (espin; plus strand). Cytogenetic location: 1p36.31.
Variant type: single nucleotide variant.
Coding change: c.1464+2T>A on transcript NM_031475.3 (MANE Select); the canonical splice donor site of the intron after coding-DNA position 1464, T replaced by A.
Molecular consequence: splice donor variant.
Genome position (GRCh38, 1-based): chr1:6,445,937, T>A. VCF-style: chr1-6445937-T-A. GRCh37 (hg19) VCF-style: chr1-6505997-T-A.
Other names: c.1464+2T>A (NM_001367474.1, NM_001367473.1).
Identifiers: ClinVar variation 5006986 (VCV005006986.2).